The following is an entry in ClinVar:

ClinVar aggregate classification (germline): Uncertain significance (1 of 4 stars; one submission).

Submission:

Greenwood Genetic Center Diagnostic Laboratories, Greenwood Genetic Center
Classification: Uncertain significance. Last evaluated: 2021-09-02. Review status: criteria provided, single submitter. Criteria: ACMG Guidelines, 2015. Collection method: clinical testing. Allele origin: germline. Affected: yes.
Comment: PP2, PP3, PM2

NM_021224.6(ZNF462):c.2051C>T (p.Pro684Leu)

Gene: ZNF462 (zinc finger protein 462; plus strand). Cytogenetic location: 9q31.2.
Variant type: single nucleotide variant.
Coding change: c.2051C>T on transcript NM_021224.6 (MANE Select); coding-DNA position 2051, C replaced by T.
Protein change: p.Pro684Leu; replaces proline 684 with leucine.
Molecular consequence: missense variant.
Genome position (GRCh38, 1-based): chr9:106,925,963, C>T. VCF-style: chr9-106925963-C-T. GRCh37 (hg19) VCF-style: chr9-109688244-C-T.
Other names: c.2051C>T, p.Pro684Leu (NM_001347997.2); short protein forms P684L.
Identifiers: ClinVar variation 1334573 (VCV001334573.4), dbSNP rs2131465462, ClinGen allele CA374387441.
Genomic context (GRCh38, chr9:106,925,963, plus strand): 5'-GGTTGTCCTCCAAGAACAATTTTGTAGCTAAAGCCTCTAGGAAGCTCGCCAATGACTTTC[C>T]TCTAGATTTGTCACCCGTGAAGAAGAGAACCAGGATTGACGAGATAGCAAGCAACCTTCA-3'
Protein context (NP_067047.4, residues 674-694): KASRKLANDF[Pro684Leu]LDLSPVKKRT